The following is an entry in ClinVar:

ClinVar aggregate classification (germline): Uncertain significance. Review status: criteria provided, multiple submitters, no conflicts (2 of 4 stars). 2 submissions from 2 submitters: Uncertain significance (2). Last evaluated 2026-02-12.

Conditions:
Hereditary cancer-predisposing syndrome. Also called: Tumor predisposition; Neoplastic Syndromes, Hereditary; Hereditary Cancer Syndrome; Hereditary neoplastic syndrome. Identifiers: Orphanet 140162, MedGen C0027672, MeSH D009386, MONDO:0015356.
Gorlin syndrome. Also called: Basal cell nevus syndrome; Nevoid Basal Cell Carcinoma Syndrome. Identifiers: Orphanet 377, MedGen C0004779, MONDO:0007187.

Submissions (2):

Ambry Genetics
Classification: Uncertain significance for Hereditary cancer-predisposing syndrome. Last evaluated: 2026-02-12. Review status: criteria provided, single submitter. Criteria: Ambry Variant Classification Scheme 2023. Collection method: clinical testing. Allele origin: germline.
Comment: The c.1728+3G>C intronic variant results from a G to C substitution 3 nucleotides after coding exon 12 in the PTCH1 gene. This nucleotide position is not well conserved in available vertebrate species. In silico splice site analysis predicts that this alteration will not have any significant effect on splicing. Based on the available evidence, the clinical significance of this variant remains unclear.

Labcorp Genetics (formerly Invitae), Labcorp
Classification: Uncertain significance for Gorlin syndrome. Last evaluated: 2022-04-03. Review status: criteria provided, single submitter. Criteria: Invitae Variant Classification Sherloc (09022015). Collection method: clinical testing. Allele origin: germline.
Comment: This sequence change falls in intron 12 of the PTCH1 gene. It does not directly change the encoded amino acid sequence of the PTCH1 protein. It affects a nucleotide within the consensus splice site. This variant is not present in population databases (gnomAD no frequency). In summary, the available evidence is currently insufficient to determine the role of this variant in disease. Therefore, it has been classified as a Variant of Uncertain Significance. Variants that disrupt the consensus splice site are a relatively common cause of aberrant splicing (PMID: 17576681, 9536098). Algorithms developed to predict the effect of sequence changes on RNA splicing suggest that this variant is not likely to affect RNA splicing. ClinVar contains an entry for this variant (Variation ID: 819945). This variant has not been reported in the literature in individuals affected with PTCH1-related conditions.

Literature cited by the submitters: PubMed 17576681 (cited by Labcorp Genetics (formerly Invitae), Labcorp); PubMed 9536098 (cited by Labcorp Genetics (formerly Invitae), Labcorp).

NM_000264.5(PTCH1):c.1728+3G>C

Gene: PTCH1 (patched 1; minus strand). Cytogenetic location: 9q22.32.
Variant type: single nucleotide variant.
Coding change: c.1728+3G>C on transcript NM_000264.5 (MANE Select); 3 bases into the intron after coding-DNA position 1728, G replaced by C.
Molecular consequence: intron variant.
Genome position (GRCh38, 1-based): chr9:95,476,031, C>G on the plus strand (G>C on the coding strand, the complement: PTCH1 is on the minus strand). VCF-style: chr9-95476031-C-G. GRCh37 (hg19) VCF-style: chr9-98238313-C-G.
Other names: c.1725+3G>C (NM_001083603.3); c.1530+3G>C (NM_001083602.3); c.1572+3G>C (NM_001354918.2); c.1275+3G>C (NM_001083605.3, NM_001083604.3, NM_001083606.3 and 1 more transcripts).
Identifiers: ClinVar variation 819945 (VCV000819945.10), dbSNP rs1588596061, ClinGen allele CA915947054.